The following is an entry in ClinVar:

ClinVar aggregate classification (germline): Uncertain significance (1 of 4 stars; one submission).

Conditions:
Ataxia-telangiectasia syndrome (AT). Also called: ATAXIA-TELANGIECTASIA, COMPLEMENTATION GROUP A; ATAXIA-TELANGIECTASIA, FRESNO VARIANT; LOUIS-BAR SYNDROME; Cerebello-oculocutaneous telangiectasia; Immunodeficiency with ataxia telangiectasia; Ataxia-telangiectasia, complementation group E. Identifiers: Orphanet 100, MedGen C0004135, MONDO:0008840, OMIM 208900.

Submission:

Labcorp Genetics (formerly Invitae), Labcorp
Classification: Uncertain significance for Ataxia-telangiectasia syndrome. Last evaluated: 2024-06-23. Review status: criteria provided, single submitter. Criteria: Invitae Variant Classification Sherloc (09022015). Collection method: clinical testing. Allele origin: germline.
Comment: This sequence change replaces glutamic acid, which is acidic and polar, with alanine, which is neutral and non-polar, at codon 38 of the ATM protein (p.Glu38Ala). This variant is not present in population databases (gnomAD no frequency). This variant has not been reported in the literature in individuals affected with ATM-related conditions. Advanced modeling of protein sequence and biophysical properties (such as structural, functional, and spatial information, amino acid conservation, physicochemical variation, residue mobility, and thermodynamic stability) performed at Invitae indicates that this missense variant is not expected to disrupt ATM protein function with a negative predictive value of 95%. In summary, the available evidence is currently insufficient to determine the role of this variant in disease. Therefore, it has been classified as a Variant of Uncertain Significance.

NM_000051.4(ATM):c.113A>C (p.Glu38Ala)

Gene: ATM (ATM serine/threonine kinase; plus strand). Cytogenetic location: 11q22.3.
Variant type: single nucleotide variant.
Coding change: c.113A>C on transcript NM_000051.4 (MANE Select); coding-DNA position 113, A replaced by C.
Protein change: p.Glu38Ala; replaces glutamic acid 38 with alanine.
Molecular consequence: missense variant.
Genome position (GRCh38, 1-based): chr11:108,227,816, A>C. VCF-style: chr11-108227816-A-C. GRCh37 (hg19) VCF-style: chr11-108098543-A-C.
Other names: c.113A>C, p.Glu38Ala (NM_001351834.2, NM_001351835.2, NM_001351836.2); short protein forms E38A.
Identifiers: ClinVar variation 3634284 (VCV003634284.2).